The following is an entry in ClinVar:

ClinVar aggregate classification (germline): Uncertain significance. Review status: criteria provided, multiple submitters, no conflicts (2 of 4 stars). 3 submissions from 3 submitters: Uncertain significance (3). Last evaluated 2023-04-11.

Conditions:
Deficiency of hydroxymethylglutaryl-CoA lyase (HMGCLD). Also called: HMGCL DEFICIENCY; HYDROXYMETHYLGLUTARIC ACIDURIA; Defect in leucine metabolism; 3-hydroxy-3-methylglutaric aciduria; HMG-CoA LYASE DEFICIENCY. Identifiers: Orphanet 20, MedGen C1533587, MONDO:0009520, OMIM 246450.

Allele frequency attached by ClinVar (database versions not stated): gnomAD exomes below 0.00001.

Submissions (3):

Genome-Nilou Lab
Classification: Uncertain significance for Deficiency of hydroxymethylglutaryl-CoA lyase. Last evaluated: 2023-04-11. Review status: criteria provided, single submitter. Criteria: ACMG Guidelines, 2015. Collection method: clinical testing. Allele origin: germline. Affected: no.

Labcorp Genetics (formerly Invitae), Labcorp
Classification: Uncertain significance for Deficiency of hydroxymethylglutaryl-CoA lyase. Last evaluated: 2022-07-07. Review status: criteria provided, single submitter. Criteria: Invitae Variant Classification Sherloc (09022015). Collection method: clinical testing. Allele origin: germline.
Comment: This sequence change replaces methionine, which is neutral and non-polar, with threonine, which is neutral and polar, at codon 85 of the HMGCL protein (p.Met85Thr). This variant is present in population databases (no rsID available, gnomAD 0.0009%). This variant has not been reported in the literature in individuals affected with HMGCL-related conditions. ClinVar contains an entry for this variant (Variation ID: 296854). Algorithms developed to predict the effect of missense changes on protein structure and function (SIFT, PolyPhen-2, Align-GVGD) all suggest that this variant is likely to be disruptive. In summary, the available evidence is currently insufficient to determine the role of this variant in disease. Therefore, it has been classified as a Variant of Uncertain Significance.

Illumina Laboratory Services, Illumina
Classification: Uncertain significance for Deficiency of hydroxymethylglutaryl-CoA lyase. Last evaluated: 2018-01-12. Review status: criteria provided, single submitter. Criteria: ICSL Variant Classification Criteria 13 December 2019. Collection method: clinical testing. Allele origin: germline.

NM_000191.3(HMGCL):c.254T>C (p.Met85Thr)

Gene: HMGCL (3-hydroxy-3-methylglutaryl-CoA lyase; minus strand). Cytogenetic location: 1p36.11.
Variant type: single nucleotide variant.
Coding change: c.254T>C on transcript NM_000191.3 (MANE Select); coding-DNA position 254, T replaced by C.
Protein change: p.Met85Thr; replaces methionine 85 with threonine.
Molecular consequence: missense variant.
Genome position (GRCh38, 1-based): chr1:23,816,769, A>G on the plus strand (T>C on the coding strand, the complement: HMGCL is on the minus strand). VCF-style: chr1-23816769-A-G. GRCh37 (hg19) VCF-style: chr1-24143259-A-G.
Other names: c.254T>C, p.Met85Thr (NM_001166059.2); short protein forms M85T.
Identifiers: ClinVar variation 296854 (VCV000296854.7), dbSNP rs886046314, ClinGen allele CA10609634.